The following is an entry in ClinVar:

ClinVar aggregate classification (germline): Uncertain significance (1 of 4 stars; one submission).

gnomAD v4.1: 1 of 1,614,132 alleles (0.000062%); highest among the groups gnomAD compares: Non-Finnish European, 0.000085%; no homozygotes.

Submission:

GeneDx
Classification: Uncertain significance. Last evaluated: 2025-02-05. Review status: criteria provided, single submitter. Criteria: GeneDx Variant Classification Process June 2021. Collection method: clinical testing. Allele origin: germline. Affected: yes.
Comment: Not observed at significant frequency in large population cohorts (gnomAD); In silico analysis supports that this missense variant has a deleterious effect on protein structure/function.

NM_014112.5(TRPS1):c.2566T>A (p.Tyr856Asn)

Gene: TRPS1 (transcriptional repressor GATA binding 1; minus strand). Cytogenetic location: 8q23.3.
Variant type: single nucleotide variant.
Coding change: c.2566T>A on transcript NM_014112.5 (MANE Select); coding-DNA position 2566, T replaced by A.
Protein change: p.Tyr856Asn; replaces tyrosine 856 with asparagine.
Molecular consequence: missense variant.
Genome position (GRCh38, 1-based): chr8:115,587,135, A>T on the plus strand (T>A on the coding strand, the complement: TRPS1 is on the minus strand). VCF-style: chr8-115587135-A-T. GRCh37 (hg19) VCF-style: chr8-116599362-A-T.
Other names: c.2539T>A, p.Tyr847Asn (NM_001282902.3); c.2545T>A, p.Tyr849Asn (NM_001282903.3); c.2527T>A, p.Tyr843Asn (NM_001330599.2); short protein forms Y843N, Y847N, Y849N, Y856N.
Identifiers: ClinVar variation 4074547 (VCV004074547.1).